The following is an entry in ClinVar:

ClinVar aggregate classification (germline): Conflicting classifications of pathogenicity. Review status: criteria provided, conflicting classifications (1 of 4 stars). 6 submissions from 6 submitters: Uncertain significance (1); Likely benign (5). Last evaluated 2025-11-21.

Conditions:
Cardiovascular phenotype. Identifiers: MedGen CN230736.
Catecholaminergic polymorphic ventricular tachycardia (CVPT). Also called: Catecholamine-induced polymorphic ventricular tachycardia. Identifiers: Orphanet 3286, MedGen C5574922, MONDO:0017990.
Cardiomyopathy (CMYO). Also called: Cardiomyopathies. Identifiers: Orphanet 167848, MedGen C0878544, MONDO:0004994, HP:0001638. Inheritance: Various modes of inheritance.
Catecholaminergic polymorphic ventricular tachycardia 1. Also called: VENTRICULAR TACHYCARDIA, CATECHOLAMINERGIC POLYMORPHIC, 1, WITH OR WITHOUT ATRIAL DYSFUNCTION AND/OR DILATED CARDIOMYOPATHY; VENTRICULAR TACHYCARDIA, STRESS-INDUCED POLYMORPHIC 1; RYR2-Related Catecholaminergic Polymorphic Ventricular Tachycardia. Identifiers: Orphanet 3286, MedGen C1631597, MONDO:0011484, OMIM 604772.

Allele frequency attached by ClinVar (database versions not stated): TOPMed 0.00001; ExAC 0.00002; gnomAD 0.00002; ESP Exome Variant Server 0.00008.
gnomAD v4.1: 50 of 1,613,042 alleles (0.0031%); highest among the groups gnomAD compares: Non-Finnish European, 0.0042%; no homozygotes.

Submissions (6):

Labcorp Genetics (formerly Invitae), Labcorp
Classification: Likely benign for Catecholaminergic polymorphic ventricular tachycardia 1. Last evaluated: 2025-11-21. Review status: criteria provided, single submitter. Criteria: Invitae Variant Classification Sherloc (09022015). Collection method: clinical testing. Allele origin: germline.

Ambry Genetics
Classification: Likely benign for Cardiovascular phenotype. Last evaluated: 2025-07-21. Review status: criteria provided, single submitter. Criteria: Ambry Variant Classification Scheme 2023. Collection method: clinical testing. Allele origin: germline.

Blueprint Genetics
Classification: Likely benign. Last evaluated: 2024-03-26. Review status: criteria provided, single submitter. Criteria: ACMG Guidelines, 2015. Collection method: clinical testing. Allele origin: germline.

All of Us Research Program, National Institutes of Health
Classification: Likely benign for Catecholaminergic polymorphic ventricular tachycardia. Last evaluated: 2024-02-05. Review status: criteria provided, single submitter. Criteria: ACMG Guidelines, 2015. Collection method: clinical testing. Allele origin: germline. Inheritance: Autosomal dominant inheritance. Observed: 4 variant alleles, 4 heterozygotes.
Comment: This study involves interpretation of variants in research participants for the purpose of population health screening. Participant phenotype was not available at the time of variant classification. Additional details can be found in publication PMID: 35346344, PMCID: PMC8962531

Color Diagnostics, LLC DBA Color Health
Classification: Likely benign for Cardiomyopathy. Last evaluated: 2019-03-22. Review status: criteria provided, single submitter. Criteria: ACMG Guidelines, 2015. Collection method: clinical testing. Allele origin: germline.

Eurofins Ntd Llc (ga)
Classification: Uncertain significance. Last evaluated: 2015-03-31. Review status: criteria provided, single submitter. Criteria: EGL Classification Definitions 2015. Collection method: clinical testing. Allele origin: germline. Observed: 1 variant allele, 1 heterozygote.

NM_001035.3(RYR2):c.10059C>A (p.Leu3353=)

Gene: RYR2 (ryanodine receptor 2; plus strand). Cytogenetic location: 1q43.
Variant type: single nucleotide variant.
Coding change: c.10059C>A on transcript NM_001035.3 (MANE Select); coding-DNA position 10059, C replaced by A.
Protein change: p.Leu3353=; no amino-acid change (leucine 3353 retained).
Molecular consequence: synonymous variant.
Genome position (GRCh38, 1-based): chr1:237,709,015, C>A. VCF-style: chr1-237709015-C-A. GRCh37 (hg19) VCF-style: chr1-237872315-C-A.
Other names: c.10059C>A (NM_001035.2); c.10059C>A, p.Leu3353= (LRG_402t1).
Identifiers: ClinVar variation 198372 (VCV000198372.20), dbSNP rs370015676, ClinGen allele CA006532.